The following is an entry in ClinVar:

ClinVar aggregate classification (germline): Uncertain significance (1 of 4 stars; one submission).

Conditions:
Hereditary cancer-predisposing syndrome. Also called: Neoplastic Syndromes, Hereditary; Tumor predisposition; Hereditary Cancer Syndrome; Hereditary neoplastic syndrome. Identifiers: Orphanet 140162, MedGen C0027672, MeSH D009386, MONDO:0015356.

Submission:

Ambry Genetics
Classification: Uncertain significance for Hereditary cancer-predisposing syndrome. Last evaluated: 2026-05-28. Review status: criteria provided, single submitter. Criteria: Ambry Variant Classification Scheme 2023. Collection method: clinical testing. Allele origin: germline.
Comment: The p.I595T variant (also known as c.1784T>C), located in coding exon 13 of the PTCH1 gene, results from a T to C substitution at nucleotide position 1784. The isoleucine at codon 595 is replaced by threonine, an amino acid with similar properties. This amino acid position is conserved. In addition, this alteration is predicted to be deleterious by in silico analysis. Based on the available evidence, the clinical significance of this variant remains unclear.

NM_000264.5(PTCH1):c.1784T>C (p.Ile595Thr)

Genes: PTCH1 (patched 1; minus strand), LOC100507346 (uncharacterized LOC100507346; plus strand). Cytogenetic location: 9q22.32.
Variant type: single nucleotide variant.
Coding change: c.1784T>C on transcript NM_000264.5 (MANE Select); coding-DNA position 1784, T replaced by C.
Protein change: p.Ile595Thr; replaces isoleucine 595 with threonine.
Molecular consequence: missense variant. On other transcripts: non-coding transcript variant (2).
Genome position (GRCh38, 1-based): chr9:95,469,876, A>G on the plus strand (T>C on the coding strand, the complement: PTCH1 is on the minus strand). VCF-style: chr9-95469876-A-G. GRCh37 (hg19) VCF-style: chr9-98232158-A-G.
Other names: c.1586T>C, p.Ile529Thr (NM_001083602.3); c.1781T>C, p.Ile594Thr (NM_001083603.3); c.1331T>C, p.Ile444Thr (NM_001083604.3, NM_001083605.3, NM_001083606.3 and 1 more transcripts); c.1628T>C, p.Ile543Thr (NM_001354918.2); short protein forms I444T, I529T, I543T, I594T, I595T.
Identifiers: ClinVar variation 4862704 (VCV004862704.1).